The following is an entry in ClinVar:

ClinVar aggregate classification (germline): Likely pathogenic (1 of 4 stars; one submission).

Conditions:
Retinitis pigmentosa 69 (RP69). Identifiers: Orphanet 791, MedGen C4014312, MONDO:0014345, OMIM 615780.

Submission:

3billion
Classification: Likely pathogenic for Retinitis pigmentosa 69. Last evaluated: 2025-12-07. Review status: criteria provided, single submitter. Criteria: ACMG Guidelines, 2015. Collection method: clinical testing. Allele origin: germline. Affected: yes.
Comment: The variant is not observed in the gnomAD v4.1.0 dataset. Predicted Consequence/Location: Frameshift: predicted to result in a loss or disruption of normal protein function through nonsense-mediated decay (NMD) or protein truncation. Multiple pathogenic variants are reported downstream of the variant. Therefore, this variant is classified as Likely pathogenic according to the recommendation of ACMG/AMP guideline.

NM_018474.6(KIZ):c.1347_1348del (p.Glu451fs)

Gene: KIZ (kizuna centrosomal protein; plus strand). Cytogenetic location: 20p11.23.
Variant type: Deletion.
Coding change: c.1347_1348del on transcript NM_018474.6 (MANE Select); coding-DNA positions 1347 to 1348, 2 bases deleted (AA; older notation c.1347_1348delAA).
Protein change: p.Glu451fs; shifts the reading frame from glutamic acid 451.
Molecular consequence: frameshift variant.
Genome position (GRCh38, 1-based): chr20:21,163,154-21,163,155, AA deleted. VCF-style (leftmost placement, unchanged base first): chr20-21163153-CAA-C. GRCh37 (hg19) VCF-style: chr20-21143794-CAA-C.
Other names: c.1038_1039del, p.Glu348fs (NM_001163022.3, NM_001352435.2); c.948_949del, p.Glu318fs (NM_001163023.3); c.1200_1201del, p.Glu402fs (NM_001276389.2); c.1347_1348del, p.Glu451fs (NM_001352434.2); c.1005_1006del, p.Glu337fs (NM_001352436.2); short protein forms E318fs, E337fs, E348fs, E402fs, E451fs.
Identifiers: ClinVar variation 4855558 (VCV004855558.1).